The following is an entry in ClinVar:

NM_002691.4(POLD1):c.2293G>C (p.Val765Leu)

Gene: POLD1 (DNA polymerase delta 1, catalytic subunit; plus strand). Cytogenetic location: 19q13.33.
Variant type: single nucleotide variant.
Coding change: c.2293G>C on transcript NM_002691.4 (MANE Select); coding-DNA position 2293, G replaced by C.
Protein change: p.Val765Leu; replaces valine 765 with leucine.
Molecular consequence: missense variant. On other transcripts: non-coding transcript variant (1).
Genome position (GRCh38, 1-based): chr19:50,413,784, G>C. VCF-style: chr19-50413784-G-C. GRCh37 (hg19) VCF-style: chr19-50917041-G-C.
Other names: c.2293G>C, p.Val765Leu (NM_001256849.1); c.2371G>C, p.Val791Leu (NM_001308632.1); short protein forms V791L, V765L.
Identifiers: ClinVar variation 643609 (VCV000643609.8), dbSNP rs759190487, ClinGen allele CA406984070.

ClinVar aggregate classification (germline): Uncertain significance (1 of 4 stars; one submission).

Conditions:
POLD1-related polyposis and colorectal cancer syndrome (CRCS10). Also called: Colorectal cancer, susceptibility to, 10; Colorectal cancer 10; COLORECTAL CANCER, SUSCEPTIBILITY TO, ON CHROMOSOME 19q. Identifiers: Orphanet 220460, MedGen C2675481, MONDO:0012953, OMIM 612591.

gnomAD v4.1: 1 of 1,611,860 alleles (0.000062%); highest among the groups gnomAD compares: Non-Finnish European, 0.000085%; no homozygotes.

Submission:

Labcorp Genetics (formerly Invitae), Labcorp
Classification: Uncertain significance for POLD1-related polyposis and colorectal cancer syndrome. Last evaluated: 2025-03-10. Review status: criteria provided, single submitter. Criteria: Invitae Variant Classification Sherloc (09022015). Collection method: clinical testing. Allele origin: germline.
Comment: This sequence change replaces valine, which is neutral and non-polar, with leucine, which is neutral and non-polar, at codon 765 of the POLD1 protein (p.Val765Leu). This variant is not present in population databases (gnomAD no frequency). This variant has not been reported in the literature in individuals affected with POLD1-related conditions. ClinVar contains an entry for this variant (Variation ID: 643609). Invitae Evidence Modeling of protein sequence and biophysical properties (such as structural, functional, and spatial information, amino acid conservation, physicochemical variation, residue mobility, and thermodynamic stability) indicates that this missense variant is not expected to disrupt POLD1 protein function with a negative predictive value of 80%. In summary, the available evidence is currently insufficient to determine the role of this variant in disease. Therefore, it has been classified as a Variant of Uncertain Significance.